The following is an entry in ClinVar:

ClinVar aggregate classification (germline): Uncertain significance (1 of 4 stars; one submission).

Conditions:
Nemaline myopathy 8 (NEM8). Also called: Nemaline myopathy 8, autosomal recessive. Identifiers: Orphanet 171430, MedGen C3809209, MONDO:0014138, OMIM 615348.

Allele frequency attached by ClinVar (database versions not stated): gnomAD 0.00001.

Submission:

Labcorp Genetics (formerly Invitae), Labcorp
Classification: Uncertain significance for Nemaline myopathy 8. Last evaluated: 2021-01-20. Review status: criteria provided, single submitter. Criteria: Invitae Variant Classification Sherloc (09022015). Collection method: clinical testing. Allele origin: germline.
Comment: In summary, the available evidence is currently insufficient to determine the role of this variant in disease. Therefore, it has been classified as a Variant of Uncertain Significance. Algorithms developed to predict the effect of missense changes on protein structure and function (SIFT, PolyPhen-2, Align-GVGD) all suggest that this variant is likely to be tolerated, but these predictions have not been confirmed by published functional studies and their clinical significance is uncertain. This sequence change replaces arginine with histidine at codon 237 of the KLHL40 protein (p.Arg237His). The arginine residue is highly conserved and there is a small physicochemical difference between arginine and histidine. This variant is not present in population databases (ExAC no frequency). This variant has not been reported in the literature in individuals with KLHL40-related conditions.

NM_152393.4(KLHL40):c.710G>A (p.Arg237His)

Gene: KLHL40 (kelch like family member 40; plus strand). Cytogenetic location: 3p22.1.
Variant type: single nucleotide variant.
Coding change: c.710G>A on transcript NM_152393.4 (MANE Select); coding-DNA position 710, G replaced by A.
Protein change: p.Arg237His; replaces arginine 237 with histidine.
Molecular consequence: missense variant.
Genome position (GRCh38, 1-based): chr3:42,686,328, G>A. VCF-style: chr3-42686328-G-A. GRCh37 (hg19) VCF-style: chr3-42727820-G-A.
Other names: short protein forms R237H.
Identifiers: ClinVar variation 1503971 (VCV001503971.8), dbSNP rs1697272315, ClinGen allele CA352290560.